The following is an entry in ClinVar:

ClinVar aggregate classification (germline): Uncertain significance (1 of 4 stars; one submission).

Allele frequency attached by ClinVar (database versions not stated): gnomAD 0.00001.
gnomAD v4.1: 7 of 1,614,014 alleles (0.00043%); highest among the groups gnomAD compares: Middle Eastern, 0.016%; no homozygotes.

Submission:

Labcorp Genetics (formerly Invitae), Labcorp
Classification: Uncertain significance. Last evaluated: 2023-08-14. Review status: criteria provided, single submitter. Criteria: Invitae Variant Classification Sherloc (09022015). Collection method: clinical testing. Allele origin: germline.
Comment: In summary, the available evidence is currently insufficient to determine the role of this variant in disease. Therefore, it has been classified as a Variant of Uncertain Significance. Algorithms developed to predict the effect of sequence changes on RNA splicing suggest that this variant may create or strengthen a splice site. An algorithm developed to predict the effect of missense changes on protein structure and function (PolyPhen-2) suggests that this variant¬†is likely to be tolerated. This variant has not been reported in the literature in individuals affected with SPTBN1-related conditions. This variant is not present in population databases (gnomAD no frequency). This sequence change replaces arginine, which is basic and polar, with glutamine, which is neutral and polar, at codon 2140 of the SPTBN1 protein (p.Arg2140Gln).

NM_003128.3(SPTBN1):c.6419G>A (p.Arg2140Gln)

Gene: SPTBN1 (spectrin beta, non-erythrocytic 1; plus strand). Cytogenetic location: 2p16.2.
Variant type: single nucleotide variant.
Coding change: c.6419G>A on transcript NM_003128.3 (MANE Select); coding-DNA position 6419, G replaced by A.
Protein change: p.Arg2140Gln; replaces arginine 2140 with glutamine.
Molecular consequence: missense variant.
Genome position (GRCh38, 1-based): chr2:54,659,998, G>A. VCF-style: chr2-54659998-G-A. GRCh37 (hg19) VCF-style: chr2-54887135-G-A.
Other names: c.6380G>A, p.Arg2127Gln (NM_178313.3); short protein forms R2127Q, R2140Q.
Identifiers: ClinVar variation 2752390 (VCV002752390.1), dbSNP rs757199400, ClinGen allele CA346858136.
Genomic context (GRCh38, chr2:54,659,998, plus strand): 5'-ATACTTCAAAAGGAGAACAAGTTTCCCAAAACGGTTTGCCAGCTGAACAGGGATCTCCAC[G>A]GGTTAGTTACCGCTCTCAAACCTACCAAAACTACAAAAACTTTAATAGCAGACGGACAGC-3'
Protein context (NP_003119.2, residues 2130-2150): NGLPAEQGSP[Arg2140Gln]MAETVDTSEM